The following is an entry in ClinVar:

ClinVar aggregate classification (germline): Pathogenic. Review status: criteria provided, multiple submitters, no conflicts (2 of 4 stars). 3 submissions from 3 submitters: Pathogenic (3). Last evaluated 2025-07-28.

Conditions:
Obesity. Also called: Obesity disorder. Identifiers: Orphanet 71529, MedGen C0028754, MeSH D009765, MONDO:0011122, HP:0001513.
Hepatic steatosis. Also called: Fatty liver disease. Identifiers: MedGen C2711227, MONDO:0004790, HP:0001397.
Acanthosis nigricans. Identifiers: MedGen C0000889, MeSH D000052, MONDO:0007035, HP:0000956.
Lumbar hyperlordosis. Identifiers: MedGen C1184923, HP:0002938.
Hyperlipidemia. Also called: Hyperlipidemias; Hyperlipidemia (disease). Identifiers: MedGen C0020473, MONDO:0021187, HP:0003077.
Abnormality of the dentition. Also called: Dental anomalies. Identifiers: MedGen C0262444, HP:0000164.
Skeletal dysplasia. Also called: Primary bone dysplasia. Identifiers: Orphanet 364526, MedGen C0410528, MONDO:0018230, HP:0002652.
Brachydactyly. Also called: Brachydactyly syndrome; Brachydactyly (disease). Identifiers: MedGen C0221357, MONDO:0021004, HP:0001156.
Renal hypoplasia. Also called: Renal hypoplasia (disease). Identifiers: Orphanet 93101, MedGen C0266295, MONDO:0019637, HP:0000089.
Short stature. Identifiers: MedGen C0349588, HP:0004322.
Short metacarpal. Also called: short metacarpals. Identifiers: MedGen C1837084, HP:0010049.
Severe intellectual disability. Identifiers: MedGen C0036857, HP:0010864.
Abnormal facial shape. Also called: Dysmorphic facial features; Dysmorphic facies. Identifiers: MedGen C0424503, HP:0001999.
Self-injurious behavior. Identifiers: MedGen C0085271, HP:0100716.
Insulin resistance. Identifiers: MedGen C0021655, HP:0000855.
Short stature-brachydactyly-obesity-global developmental delay syndrome. Also called: Short stature, brachydactyly, intellectual developmental disability, and seizures; SHORT STATURE, BRACHYDACTYLY, IMPAIRED INTELLECTUAL DEVELOPMENT, AND SEIZURES. Identifiers: Orphanet 464288, MedGen C4310689, MONDO:0014944, OMIM 617157.

Allele frequency attached by ClinVar (database versions not stated): TOPMed below 0.00001; gnomAD exomes 0.00001.
gnomAD v4.1: 3 of 1,611,584 alleles (0.00019%); highest among the groups gnomAD compares: Non-Finnish European, 0.00025%; no homozygotes.

Submissions (3):

Victorian Clinical Genetics Services, Murdoch Childrens Research Institute
Classification: Pathogenic for Short stature-brachydactyly-obesity-global developmental delay syndrome. Last evaluated: 2025-07-28. Review status: criteria provided, single submitter. Criteria: ACMG Guidelines, 2015. Collection method: clinical testing. Allele origin: germline. Affected: yes.
Comment: This variant is classified as Pathogenic. Evidence in support of pathogenic classification: Variant is predicted to cause nonsense-mediated decay (NMD) and loss of protein (premature termination codon is located at least 54 nucleotides upstream of the final exon-exon junction); Variant is present in gnomAD <0.01 for a recessive condition (v4: 3 heterozygote(s), 0 homozygote(s)); This variant has limited previous evidence of pathogenicity in an unrelated individual(s). This variant has been reported in the literature in two unrelated individuals (PMID: 36399134, 31623504); Other NMD-predicted variant(s) comparable to the one identified in this case have very strong previous evidence for pathogenicity (ClinVar) Additional information: This variant is heterozygous; This gene is associated with autosomal recessive disease; Loss of function is a known mechanism of disease in this gene and is associated with short stature, brachydactyly, intellectual developmental disability, and seizures (MIM#617157); Inheritance information for this variant is not currently available in this individual.

GeneDx
Classification: Pathogenic. Last evaluated: 2023-09-08. Review status: criteria provided, single submitter. Criteria: GeneDx Variant Classification Process June 2021. Collection method: clinical testing. Allele origin: germline. Affected: yes.
Comment: Nonsense variant predicted to result in protein truncation or nonsense mediated decay in a gene for which loss of function is a known mechanism of disease; Not observed at significant frequency in large population cohorts (gnomAD); This variant is associated with the following publications: (PMID: 36399134, 31623504)

Centre for Mendelian Genomics, University Medical Centre Ljubljana
Classification: Pathogenic for Abnormal facial shape; Abnormality of the dentition; Acanthosis nigricans; Brachydactyly; Hepatic steatosis; Hyperlipidemia; Insulin resistance; Severe intellectual disability; Lumbar hyperlordosis; Obesity; Renal hypoplasia; Self-injurious behavior; Short metacarpal; Short stature; Skeletal dysplasia. Last evaluated: 2017-01-01. Review status: criteria provided, single submitter. Criteria: ACMG Guidelines, 2015. Collection method: clinical testing. Allele origin: unknown. Affected: yes.

Literature cited by the submitters: PubMed 31623504 (cited by Victorian Clinical Genetics Services, Murdoch Childrens Research Institute); PubMed 36399134 (cited by Victorian Clinical Genetics Services, Murdoch Childrens Research Institute).

NM_019023.5(PRMT7):c.1713C>A (p.Cys571Ter)

Gene: PRMT7 (protein arginine methyltransferase 7; plus strand). Cytogenetic location: 16q22.1.
Variant type: single nucleotide variant.
Coding change: c.1713C>A on transcript NM_019023.5 (MANE Select); coding-DNA position 1713, C replaced by A.
Protein change: p.Cys571Ter; replaces cysteine 571 with a stop codon.
Molecular consequence: nonsense. On other transcripts: non-coding transcript variant (12).
Genome position (GRCh38, 1-based): chr16:68,355,785, C>A. VCF-style: chr16-68355785-C-A. GRCh37 (hg19) VCF-style: chr16-68389688-C-A.
Other names: c.1563C>A, p.Cys521Ter (NM_001184824.4); c.1713C>A, p.Cys571Ter (NM_001290018.2, NM_001351143.3, NM_001378018.1); c.1716C>A, p.Cys572Ter (NM_001351144.3); c.1506C>A, p.Cys502Ter (NM_001378020.1); c.1476C>A, p.Cys492Ter (NM_001378021.1, NM_001378022.1, NM_001378023.1); short protein forms C571*, C521*, C572*, C492*, C502*.
Identifiers: ClinVar variation 523434 (VCV000523434.6), dbSNP rs1251713297, ClinGen allele CA396441640.
Genomic context (GRCh38, chr16:68,355,785, plus strand): 5'-TGCCCTGGACTTCAGGGAGAGCAGGGAAGCTGAGCCCCACCCGCTGTGGGAGTACCCATG[C>A]CGCAGCCTCTCCGAGCCCTGGCAGATCCTGACCTTTGACTTCCAGCAGCCGGTGCCCCTG-3'